The following is an entry in ClinVar:

ClinVar aggregate classification (germline): Uncertain significance. Review status: criteria provided, multiple submitters, no conflicts (2 of 4 stars). 2 submissions from 2 submitters: Uncertain significance (2). Last evaluated 2025-08-12.

Conditions:
Cardiovascular phenotype. Identifiers: MedGen CN230736.
Episodic pain syndrome, familial, 2 (FEPS2). Identifiers: Orphanet 306577, MedGen C3809893, MONDO:0014246, OMIM 615551.
Brugada syndrome. Also called: Sudden unexplained nocturnal death syndrome; Sudden unexpected nocturnal death syndrome; Sudden Unexplained Death Syndrome; Sudden Unexplained Nocturnal Death Syndrome (SUNDS). Identifiers: Orphanet 130, MedGen C1142166, MONDO:0015263.

Allele frequency attached by ClinVar (database versions not stated): gnomAD 0.00001; ExAC 0.00002; gnomAD exomes 0.00002; TOPMed 0.00002.
gnomAD v4.1: 28 of 1,614,002 alleles (0.0017%); highest among the groups gnomAD compares: Non-Finnish European, 0.0022%; no homozygotes.

Submissions (2):

Ambry Genetics
Classification: Uncertain significance for Cardiovascular phenotype. Last evaluated: 2025-08-12. Review status: criteria provided, single submitter. Criteria: Ambry Variant Classification Scheme 2023. Collection method: clinical testing. Allele origin: germline.
Comment: The p.F1761L variant (also known as c.5283T>G), located in coding exon 27 of the SCN10A gene, results from a T to G substitution at nucleotide position 5283. The phenylalanine at codon 1761 is replaced by leucine, an amino acid with highly similar properties. This amino acid position is conserved. In addition, this alteration is predicted to be tolerated by in silico analysis. Based on the available evidence, the clinical significance of this variant remains unclear.

Labcorp Genetics (formerly Invitae), Labcorp
Classification: Uncertain significance for Brugada syndrome. Last evaluated: 2025-04-02. Review status: criteria provided, single submitter. Criteria: Invitae Variant Classification Sherloc (09022015). Collection method: clinical testing. Allele origin: germline.
Comment: This sequence change replaces phenylalanine, which is neutral and non-polar, with leucine, which is neutral and non-polar, at codon 1761 of the SCN10A protein (p.Phe1761Leu). This variant is present in population databases (rs751237565, gnomAD 0.004%). This variant has not been reported in the literature in individuals affected with SCN10A-related conditions. ClinVar contains an entry for this variant (Variation ID: 1177504). Invitae Evidence Modeling of protein sequence and biophysical properties (such as structural, functional, and spatial information, amino acid conservation, physicochemical variation, residue mobility, and thermodynamic stability) indicates that this missense variant is not expected to disrupt SCN10A protein function with a negative predictive value of 80%. In summary, the available evidence is currently insufficient to determine the role of this variant in disease. Therefore, it has been classified as a Variant of Uncertain Significance.

NM_006514.4(SCN10A):c.5283T>G (p.Phe1761Leu)

Gene: SCN10A (sodium voltage-gated channel alpha subunit 10; minus strand). Cytogenetic location: 3p22.2.
Variant type: single nucleotide variant.
Coding change: c.5283T>G on transcript NM_006514.4 (MANE Select); coding-DNA position 5283, T replaced by G.
Protein change: p.Phe1761Leu; replaces phenylalanine 1761 with leucine.
Molecular consequence: missense variant.
Genome position (GRCh38, 1-based): chr3:38,697,937, A>C on the plus strand (T>G on the coding strand, the complement: SCN10A is on the minus strand). VCF-style: chr3-38697937-A-C. GRCh37 (hg19) VCF-style: chr3-38739428-A-C.
Other names: c.5280T>G, p.Phe1760Leu (NM_001293306.2); c.4989T>G, p.Phe1663Leu (NM_001293307.2); c.5283T>G (NM_006514.2); short protein forms F1663L, F1760L, F1761L.
Identifiers: ClinVar variation 1177504 (VCV001177504.9), dbSNP rs751237565, ClinGen allele CA2319708.